The following is an entry in ClinVar:

ClinVar aggregate classification (germline): Conflicting classifications of pathogenicity. Review status: criteria provided, conflicting classifications (1 of 4 stars). 2 submissions from 2 submitters: Uncertain significance (1); Likely benign (1). Last evaluated 2025-12-10.

Submissions (2):

Labcorp Genetics (formerly Invitae), Labcorp
Classification: Likely benign. Last evaluated: 2025-12-10. Review status: criteria provided, single submitter. Criteria: Invitae Variant Classification Sherloc (09022015). Collection method: clinical testing. Allele origin: germline.

GeneDx
Classification: Uncertain significance. Last evaluated: 2024-03-06. Review status: criteria provided, single submitter. Criteria: GeneDx Variant Classification Process June 2021. Collection method: clinical testing. Allele origin: germline. Affected: yes.
Comment: In silico analysis supports that this variant does not alter splicing; Has not been previously published as pathogenic or benign to our knowledge

NM_001368882.1(COL13A1):c.364+4dup

Gene: COL13A1 (collagen type XIII alpha 1 chain; plus strand). Cytogenetic location: 10q22.1.
Variant type: Duplication.
Coding change: c.364+4dup on transcript NM_001368882.1 (MANE Select); 4 bases into the intron after coding-DNA position 364, one base duplicated (A; older notation c.364+4dupA).
Molecular consequence: intron variant.
Genome position (GRCh38, 1-based): chr10:69,822,442, A duplicated; the last of 2 consecutive A bases (chr10:69,822,441-69,822,442); duplicating either gives the same sequence. VCF-style (leftmost placement, unchanged base first): chr10-69822440-T-TA. GRCh37 (hg19) VCF-style: chr10-71582196-T-TA.
Other names: c.364+4dup (NM_001320951.2, NM_001368884.1, NM_001130103.2 and 11 more transcripts); c.-290+4dup (NM_001368886.1).
Identifiers: ClinVar variation 748553 (VCV000748553.9), dbSNP rs755741181, ClinGen allele CA5534058.
Genomic context (GRCh38, chr10:69,822,440, plus strand): 5'-CCACTCAAGGAGGCGCCGGGAGGCCCCAAAGACATCTCCAGGATGTAACTGCCCACCAGG[T>TA]AAGCAGCCCTGCAAATAGGTGACCGCGGATGTTCCTAAGACTGAGACCAGAGGCTCTTCC-3'